The following is an entry in ClinVar:

ClinVar aggregate classification (germline): Uncertain significance (1 of 4 stars; one submission).

Conditions:
Leber congenital amaurosis 13 (LCA13). Identifiers: MedGen C2675186, MONDO:0012990, OMIM 612712.

Allele frequency attached by ClinVar (database versions not stated): gnomAD exomes below 0.00001; gnomAD 0.00001; TOPMed 0.00001.
gnomAD v4.1: 7 of 1,611,048 alleles (0.00043%); highest among the groups gnomAD compares: South Asian, 0.0011%; no homozygotes.

Submission:

Labcorp Genetics (formerly Invitae), Labcorp
Classification: Uncertain significance for Leber congenital amaurosis 13. Last evaluated: 2022-02-03. Review status: criteria provided, single submitter. Criteria: Invitae Variant Classification Sherloc (09022015). Collection method: clinical testing. Allele origin: germline.
Comment: This sequence change replaces cysteine, which is neutral and slightly polar, with tyrosine, which is neutral and polar, at codon 285 of the RDH12 protein (p.Cys285Tyr). This variant is not present in population databases (gnomAD no frequency). This missense change has been observed in individuals with clinical features of Leber congenital amaurosis or early childhood-onset retinitis pigmentosa (PMID: 16269441, 20079931). ClinVar contains an entry for this variant (Variation ID: 969693). Algorithms developed to predict the effect of missense changes on protein structure and function (SIFT, PolyPhen-2, Align-GVGD) all suggest that this variant is likely to be disruptive. Experimental studies have shown that this missense change affects RDH12 function (PMID: 16269441). In summary, the available evidence is currently insufficient to determine the role of this variant in disease. Therefore, it has been classified as a Variant of Uncertain Significance.

Literature cited by the submitters: PubMed 16269441; PubMed 20079931.

NM_152443.3(RDH12):c.854G>A (p.Cys285Tyr)

Genes: GPHN (gephyrin; plus strand), ZFYVE26 (zinc finger FYVE-type containing 26; minus strand), RDH12 (retinol dehydrogenase 12; plus strand). Cytogenetic location: 14q24.1.
Variant type: single nucleotide variant.
Coding change: c.854G>A on transcript NM_152443.3 (MANE Select); coding-DNA position 854, G replaced by A.
Protein change: p.Cys285Tyr; replaces cysteine 285 with tyrosine.
Molecular consequence: missense variant.
Genome position (GRCh38, 1-based): chr14:67,733,751, G>A. VCF-style: chr14-67733751-G-A. GRCh37 (hg19) VCF-style: chr14-68200468-G-A.
Other names: short protein forms C285Y.
Identifiers: ClinVar variation 969693 (VCV000969693.7), dbSNP rs973306929, ClinGen allele CA262811768.
Genomic context (GRCh38, chr14:67,733,751, plus strand): 5'-TTTCCAGACTGCTAATTCTCATTCCTGGAATTTACTGTCTTTCTCTGCCCTCCAGTGACT[G>A]CAAGAGGACCTGGGTGTCTCCAAGGGCCCGAAATAACAAAACAGCTGAGCGCCTATGGAA-3'
Protein context (NP_689656.2, residues 275-295): EPLSGKYFSD[Cys285Tyr]KRTWVSPRAR